The following is an entry in ClinVar:

NM_020988.3(GNAO1):c.789C>G (p.Thr263=)

Gene: GNAO1 (G protein subunit alpha o1; plus strand). Cytogenetic location: 16q13.
Variant type: single nucleotide variant.
Coding change: c.789C>G on transcript NM_020988.3 (MANE Select); coding-DNA position 789, C replaced by G.
Protein change: p.Thr263=; no amino-acid change (threonine 263 retained).
Molecular consequence: synonymous variant.
Genome position (GRCh38, 1-based): chr16:56,351,449, C>G. VCF-style: chr16-56351449-C-G. GRCh37 (hg19) VCF-style: chr16-56385361-C-G.
Identifiers: ClinVar variation 1699573 (VCV001699573.5), dbSNP rs1265902011, ClinGen allele CA622307561.

ClinVar aggregate classification (germline): Conflicting classifications of pathogenicity. Review status: criteria provided, conflicting classifications (1 of 4 stars). 2 submissions from 2 submitters: Uncertain significance (1); Likely benign (1). Last evaluated 2023-02-14.

Conditions:
Early-infantile DEE. Also called: Early infantile epileptic encephalopathy with suppression bursts; Early infantile epileptic encephalopathy; Ohtahara syndrome. Identifiers: Orphanet 1934, MedGen C0393706, MONDO:0800491.

Allele frequency attached by ClinVar (database versions not stated): gnomAD exomes below 0.00001; TOPMed below 0.00001.

Submissions (2):

Labcorp Genetics (formerly Invitae), Labcorp
Classification: Likely benign for Early-infantile DEE. Last evaluated: 2023-02-14. Review status: criteria provided, single submitter. Criteria: Invitae Variant Classification Sherloc (09022015). Collection method: clinical testing. Allele origin: germline.

GeneDx
Classification: Uncertain significance. Last evaluated: 2022-02-01. Review status: criteria provided, single submitter. Criteria: GeneDx Variant Classification Process June 2021. Collection method: clinical testing. Allele origin: germline. Affected: yes.
Comment: Not observed at significant frequency in large population cohorts (gnomAD); In silico analysis supports that this variant does not alter splicing; Has not been previously published as pathogenic or benign to our knowledge